The following is an entry in ClinVar:

ClinVar aggregate classification (germline): Uncertain significance (1 of 4 stars; one submission).

gnomAD v4.1: 4 of 1,190,120 alleles (0.00034%); highest among the groups gnomAD compares: Non-Finnish European, 0.0001%; no homozygotes.

Submission:

Labcorp Genetics (formerly Invitae), Labcorp
Classification: Uncertain significance. Last evaluated: 2022-07-12. Review status: criteria provided, single submitter. Criteria: Invitae Variant Classification Sherloc (09022015). Collection method: clinical testing. Allele origin: germline.
Comment: This sequence change replaces proline, which is neutral and non-polar, with alanine, which is neutral and non-polar, at codon 21 of the OTULIN protein (p.Pro21Ala). This variant is not present in population databases (gnomAD no frequency). This variant has not been reported in the literature in individuals affected with OTULIN-related conditions. ClinVar contains an entry for this variant (Variation ID: 1479304). Algorithms developed to predict the effect of missense changes on protein structure and function output the following: SIFT: "Tolerated"; PolyPhen-2: "Benign"; Align-GVGD: "Class C0". The alanine amino acid residue is found in multiple mammalian species, which suggests that this missense change does not adversely affect protein function. In summary, the available evidence is currently insufficient to determine the role of this variant in disease. Therefore, it has been classified as a Variant of Uncertain Significance.

NM_138348.6(OTULIN):c.61C>G (p.Pro21Ala)

Gene: OTULIN (OTU deubiquitinase with linear linkage specificity; plus strand). Cytogenetic location: 5p15.2.
Variant type: single nucleotide variant.
Coding change: c.61C>G on transcript NM_138348.6 (MANE Select); coding-DNA position 61, C replaced by G.
Protein change: p.Pro21Ala; replaces proline 21 with alanine.
Molecular consequence: missense variant.
Genome position (GRCh38, 1-based): chr5:14,664,886, C>G. VCF-style: chr5-14664886-C-G. GRCh37 (hg19) VCF-style: chr5-14664995-C-G.
Other names: short protein forms P21A.
Identifiers: ClinVar variation 1479304 (VCV001479304.6), dbSNP rs1415319938, ClinGen allele CA359242151.